The following is an entry in ClinVar:

ClinVar aggregate classification (germline): Uncertain significance (1 of 4 stars; one submission).

Conditions:
Familial cancer of breast. Also called: hereditary breast carcinoma; BREAST CANCER, FAMILIAL; Hereditary breast cancer. Identifiers: Orphanet 227535, MedGen C0346153, MONDO:0016419, OMIM 114480. Disease mechanism: loss of function.

Submission:

Labcorp Genetics (formerly Invitae), Labcorp
Classification: Uncertain significance for Familial cancer of breast. Last evaluated: 2024-05-22. Review status: criteria provided, single submitter. Criteria: Invitae Variant Classification Sherloc (09022015). Collection method: clinical testing. Allele origin: germline.
Comment: This sequence change replaces leucine, which is neutral and non-polar, with methionine, which is neutral and non-polar, at codon 101 of the BARD1 protein (p.Leu101Met). This variant is not present in population databases (gnomAD no frequency). This variant has not been reported in the literature in individuals affected with BARD1-related conditions. ClinVar contains an entry for this variant (Variation ID: 2115876). An algorithm developed to predict the effect of missense changes on protein structure and function (PolyPhen-2) suggests that this variant is likely to be disruptive. In summary, the available evidence is currently insufficient to determine the role of this variant in disease. Therefore, it has been classified as a Variant of Uncertain Significance.

NM_000465.4(BARD1):c.301C>A (p.Leu101Met)

Gene: BARD1 (BRCA1 associated RING domain 1; minus strand). Cytogenetic location: 2q35.
Variant type: single nucleotide variant.
Coding change: c.301C>A on transcript NM_000465.4 (MANE Select); coding-DNA position 301, C replaced by A.
Protein change: p.Leu101Met; replaces leucine 101 with methionine.
Molecular consequence: missense variant. On other transcripts: non-coding transcript variant (1), intron variant (2).
Genome position (GRCh38, 1-based): chr2:214,792,360, G>T on the plus strand (C>A on the coding strand, the complement: BARD1 is on the minus strand). VCF-style: chr2-214792360-G-T. GRCh37 (hg19) VCF-style: chr2-215657084-G-T.
Other names: c.244C>A, p.Leu82Met (NM_001282543.2); c.301C>A, p.Leu101Met (NM_001282549.2); c.158+17052C>A (NM_001282548.2); c.215+4701C>A (NM_001282545.2); short protein forms L101M, L82M.
Identifiers: ClinVar variation 2115876 (VCV002115876.4), dbSNP rs1559436974, ClinGen allele CA350460993.